The following is an entry in ClinVar:

NM_022463.5(NXN):c.962C>T (p.Ala321Val)

Gene: NXN (nucleoredoxin; minus strand). Cytogenetic location: 17p13.3.
Variant type: single nucleotide variant.
Coding change: c.962C>T on transcript NM_022463.5 (MANE Select); coding-DNA position 962, C replaced by T.
Protein change: p.Ala321Val; replaces alanine 321 with valine.
Molecular consequence: missense variant.
Genome position (GRCh38, 1-based): chr17:805,106, G>A on the plus strand (C>T on the coding strand, the complement: NXN is on the minus strand). VCF-style: chr17-805106-G-A. GRCh37 (hg19) VCF-style: chr17-708346-G-A.
Other names: c.638C>T, p.Ala213Val (NM_001205319.1); short protein forms A321V, A213V.
Identifiers: ClinVar variation 791560 (VCV000791560.36), dbSNP rs146444754, ClinGen allele CA8264000.

ClinVar aggregate classification (germline): Benign/Likely benign. Review status: criteria provided, multiple submitters, no conflicts (2 of 4 stars). 5 submissions from 5 submitters: Benign (2); Likely benign (2). 1 of the submissions does not count toward it. Last evaluated 2026-01-20.

Conditions:
NXN-related disorder. Also called: NXN-related condition.

Allele frequency attached by ClinVar (database versions not stated): 1000 Genomes Project 30x 0.00016; 1000 Genomes Project 0.00020; gnomAD exomes 0.00057 and 0.00085; gnomAD 0.00058 and 0.00069; ESP Exome Variant Server 0.00069; TOPMed 0.00071; ExAC 0.00118.
gnomAD v4.1: 986 of 1,609,328 alleles (0.061%); highest among the groups gnomAD compares: Middle Eastern, 2%; 12 homozygotes.

Submissions (5):

Labcorp Genetics (formerly Invitae), Labcorp
Classification: Benign. Last evaluated: 2026-01-20. Review status: criteria provided, single submitter. Criteria: Invitae Variant Classification Sherloc (09022015). Collection method: clinical testing. Allele origin: germline.

Blueprint Genetics
Classification: Likely benign. Last evaluated: 2024-11-20. Review status: criteria provided, single submitter. Criteria: ACMG Guidelines, 2015. Collection method: clinical testing. Allele origin: germline.

CeGaT Center for Human Genetics Tuebingen
Classification: Likely benign. Last evaluated: 2023-03-01. Review status: criteria provided, single submitter. Criteria: CeGaT Center For Human Genetics Tuebingen Variant Classification Criteria Version 2. Collection method: clinical testing. Allele origin: germline. Affected: yes. Observed: 2 variant alleles.
Comment: NXN: BP4, BS2

Breakthrough Genomics
Classification: Benign. Review status: criteria provided, single submitter. Criteria: ACMG Guidelines, 2015. Collection method: not provided. Allele origin: germline. Inheritance: Autosomal recessive inheritance. Affected: yes.

PreventionGenetics, part of Exact Sciences
Classification: Likely benign for NXN-related condition. Last evaluated: 2019-05-02. Review status: no assertion criteria provided. Collection method: clinical testing. Allele origin: germline. Not counted in ClinVar's aggregate classification.
Comment: This variant is classified as likely benign based on ACMG/AMP sequence variant interpretation guidelines (Richards et al. 2015 PMID: 25741868, with internal and published modifications).